The following is an entry in ClinVar:

ClinVar aggregate classification (germline): Uncertain significance (1 of 4 stars; one submission).

Conditions:
Neuropathy, hereditary sensory and autonomic, type 2A (HSAN2A). Also called: HSAN IIA; MORVAN DISEASE; NEUROPATHY, CONGENITAL SENSORY; NEUROPATHY, HEREDITARY SENSORY RADICULAR, AUTOSOMAL RECESSIVE; NEUROPATHY, HEREDITARY SENSORY, TYPE IIA; NEUROPATHY, PROGRESSIVE SENSORY, OF CHILDREN. Identifiers: Orphanet 970, MedGen C2752089, MONDO:0024309, OMIM 201300.
Generalized epilepsy with febrile seizures plus, type 7 (GEFSP7). Also called: GEFS+, TYPE 7. Identifiers: Orphanet 36387, MedGen C2751778, MONDO:0013470, OMIM 613863.

Submission:

Labcorp Genetics (formerly Invitae), Labcorp
Classification: Uncertain significance for Neuropathy, hereditary sensory and autonomic, type 2A; Generalized epilepsy with febrile seizures plus, type 7. Last evaluated: 2018-08-25. Review status: criteria provided, single submitter. Criteria: Invitae Variant Classification Sherloc (09022015). Collection method: clinical testing. Allele origin: germline.
Comment: This sequence change replaces isoleucine with methionine at codon 1748 of the SCN9A protein (p.Ile1748Met). The isoleucine residue is highly conserved and there is a small physicochemical difference between isoleucine and methionine. This variant is not present in population databases (ExAC no frequency). This variant has not been reported in the literature in individuals with SCN9A-related disease. Algorithms developed to predict the effect of missense changes on protein structure and function are either unavailable or do not agree on the potential impact of this missense change (SIFT: "Deleterious"; PolyPhen-2: "Probably Damaging"; Align-GVGD: "Class C0"). In summary, the available evidence is currently insufficient to determine the role of this variant in disease. Therefore, it has been classified as a Variant of Uncertain Significance.

NM_001365536.1(SCN9A):c.5277A>G (p.Ile1759Met)

Genes: SCN1A-AS1 (SCN1A and SCN9A antisense RNA 1; plus strand), SCN9A (sodium voltage-gated channel alpha subunit 9; minus strand). Cytogenetic location: 2q24.3.
Variant type: single nucleotide variant.
Coding change: c.5277A>G on transcript NM_001365536.1 (MANE Select); coding-DNA position 5277, A replaced by G.
Protein change: p.Ile1759Met; replaces isoleucine 1759 with methionine.
Molecular consequence: missense variant.
Genome position (GRCh38, 1-based): chr2:166,199,362, T>C on the plus strand (A>G on the coding strand, the complement: SCN9A is on the minus strand). VCF-style: chr2-166199362-T-C. GRCh37 (hg19) VCF-style: chr2-167055872-T-C.
Other names: c.5244A>G, p.Ile1748Met (NM_002977.4); short protein forms I1748M, I1759M.
Identifiers: ClinVar variation 656931 (VCV000656931.9), dbSNP rs1574692415, ClinGen allele CA349053796.